The following is an entry in ClinVar:

ClinVar aggregate classification (germline): Uncertain significance (1 of 4 stars; one submission).

Submission:

Labcorp Genetics (formerly Invitae), Labcorp
Classification: Uncertain significance. Last evaluated: 2025-07-01. Review status: criteria provided, single submitter. Criteria: Invitae Variant Classification Sherloc (09022015). Collection method: clinical testing. Allele origin: germline.
Comment: This sequence change replaces proline, which is neutral and non-polar, with serine, which is neutral and polar, at codon 167 of the WBP2 protein (p.Pro167Ser). This variant is not present in population databases (gnomAD no frequency). This variant has not been reported in the literature in individuals affected with WBP2-related conditions. Invitae Evidence Modeling of protein sequence and biophysical properties (such as structural, functional, and spatial information, amino acid conservation, physicochemical variation, residue mobility, and thermodynamic stability) indicates that this missense variant is not expected to disrupt WBP2 protein function with a negative predictive value of 80%. In summary, the available evidence is currently insufficient to determine the role of this variant in disease. Therefore, it has been classified as a Variant of Uncertain Significance.

NM_012478.4(WBP2):c.499C>T (p.Pro167Ser)

Gene: WBP2 (WW domain binding protein 2; minus strand). Cytogenetic location: 17q25.1.
Variant type: single nucleotide variant.
Coding change: c.499C>T on transcript NM_012478.4 (MANE Select); coding-DNA position 499, C replaced by T.
Protein change: p.Pro167Ser; replaces proline 167 with serine.
Molecular consequence: missense variant. On other transcripts: intron variant (1).
Genome position (GRCh38, 1-based): chr17:75,847,829, G>A on the plus strand (C>T on the coding strand, the complement: WBP2 is on the minus strand). VCF-style: chr17-75847829-G-A. GRCh37 (hg19) VCF-style: chr17-73843910-G-A.
Other names: c.499C>T, p.Pro167Ser (NM_001348170.1); c.398-220C>T (NM_001330499.2); short protein forms P167S.
Identifiers: ClinVar variation 4744292 (VCV004744292.1).
Genomic context (GRCh38, chr17:75,847,829, plus strand): 5'-AGTGGGGGCAGCAAAGGACACACTCACCAGGTGGGGGCGGTGGATAGGGGTAGCCAGGAG[G>A]GCAGGGGTACATTCCATTGGCGACTGGCGGGGGATAGACATAGGCCCCGCTGGGCATGTA-3'
Protein context (NP_036610.2, residues 157-177): PPVANGMYPC[Pro167Ser]PGYPYPPPPP